The following is an entry in ClinVar:

NM_001354604.2(MITF):c.1570C>G (p.His524Asp)

Gene: MITF (melanocyte inducing transcription factor; plus strand). Cytogenetic location: 3p13.
Variant type: single nucleotide variant.
Coding change: c.1570C>G on transcript NM_001354604.2 (MANE Select); coding-DNA position 1570, C replaced by G.
Protein change: p.His524Asp; replaces histidine 524 with aspartic acid.
Molecular consequence: missense variant.
Genome position (GRCh38, 1-based): chr3:69,965,237, C>G. VCF-style: chr3-69965237-C-G. GRCh37 (hg19) VCF-style: chr3-70014388-C-G.
Other names: c.1249C>G, p.His417Asp (NM_000248.4); c.1396C>G, p.His466Asp (NM_001184967.2, NM_001354608.2); c.1567C>G, p.His523Asp (NM_001354605.2); c.1549C>G, p.His517Asp (NM_001354606.2, NM_006722.3); c.1501C>G, p.His501Asp (NM_001354607.2); c.1231C>G, p.His411Asp (NM_198158.3); c.1552C>G, p.His518Asp (NM_198159.3); c.1504C>G, p.His502Asp (NM_198177.3); and 1 more; short protein forms H355D, H411D, H417D, H466D, H501D, H502D, H517D, H518D.
Identifiers: ClinVar variation 3752722 (VCV003752722.3).

ClinVar aggregate classification (germline): Uncertain significance. Review status: criteria provided, multiple submitters, no conflicts (2 of 4 stars). 2 submissions from 2 submitters: Uncertain significance (2). Last evaluated 2025-01-25.

Conditions:
Hereditary cancer-predisposing syndrome. Also called: Hereditary neoplastic syndrome; Tumor predisposition; Hereditary Cancer Syndrome; Neoplastic Syndromes, Hereditary. Identifiers: Orphanet 140162, MedGen C0027672, MeSH D009386, MONDO:0015356.
Waardenburg syndrome type 2A (WS2A). Also called: WAARDENBURG SYNDROME WITHOUT DYSTOPIA CANTHORUM. Identifiers: Orphanet 3440, MedGen C1860339, MONDO:0008671, OMIM 193510.
Tietz syndrome (TADS). Also called: ALBINISM-DEAFNESS OF TIETZ; HYPOPIGMENTATION/DEAFNESS OF TIETZ; TIETZ ALBINISM-DEAFNESS SYNDROME. Identifiers: Orphanet 42665, MedGen C0391816, MONDO:0007077, OMIM 103500.
Melanoma, cutaneous malignant, susceptibility to, 8. Also called: MELANOMA AND RENAL CELL CARCINOMA, SUSCEPTIBILITY TO; Cutaneous malignant melanoma 8. Identifiers: Orphanet 293822, MedGen C3152204, MONDO:0013759, OMIM 614456.

Submissions (2):

Ambry Genetics
Classification: Uncertain significance for Hereditary cancer-predisposing syndrome. Last evaluated: 2025-01-25. Review status: criteria provided, single submitter. Criteria: Ambry Variant Classification Scheme 2023. Collection method: clinical testing. Allele origin: germline.
Comment: The p.H417D variant (also known as c.1249C>G), located in coding exon 9 of the MITF gene, results from a C to G substitution at nucleotide position 1249. The histidine at codon 417 is replaced by aspartic acid, an amino acid with similar properties. This amino acid position is conserved. In addition, this alteration is predicted to be tolerated by in silico analysis. Based on the available evidence, the clinical significance of this variant remains unclear.

Labcorp Genetics (formerly Invitae), Labcorp
Classification: Uncertain significance for Melanoma, cutaneous malignant, susceptibility to, 8; Waardenburg syndrome type 2A; Tietz syndrome. Last evaluated: 2024-07-30. Review status: criteria provided, single submitter. Criteria: Invitae Variant Classification Sherloc (09022015). Collection method: clinical testing. Allele origin: germline.
Comment: This sequence change replaces histidine, which is basic and polar, with aspartic acid, which is acidic and polar, at codon 417 of the MITF protein (p.His417Asp). This variant is not present in population databases (gnomAD no frequency). This variant has not been reported in the literature in individuals affected with MITF-related conditions. An algorithm developed to predict the effect of missense changes on protein structure and function (PolyPhen-2) suggests that this variant is likely to be disruptive. In summary, the available evidence is currently insufficient to determine the role of this variant in disease. Therefore, it has been classified as a Variant of Uncertain Significance.